The following is an entry in ClinVar:

ClinVar aggregate classification (germline): Uncertain significance (1 of 4 stars; one submission).

Conditions:
Genitourinary and/or brain malformation syndrome (GUBS). Also called: PPP1R12A-Related Urogenital and/or Brain Malformation Syndrome. Identifiers: MedGen C5394158, MONDO:0032934, OMIM 618820.

Submission:

Victorian Clinical Genetics Services, Murdoch Childrens Research Institute
Classification: Uncertain significance for Genitourinary and/or brain malformation syndrome. Last evaluated: 2022-02-02. Review status: criteria provided, single submitter. Criteria: ACMG Guidelines, 2015. Collection method: clinical testing. Allele origin: germline. Inheritance: Autosomal dominant inheritance.
Comment: Based on the classification scheme VCGS_Germline_v1.3.4, this variant is classified as VUS-3B. Following criteria are met: 0102 - Loss of function is a known mechanism of disease in this gene and is associated with genitourinary and/or/brain malformation syndrome (MIM#618820). (I) 0107 - This gene is associated with autosomal dominant disease. (I) 0213 - In-frame insertion/deletion in a non-repetitive region that has high conservation. (SP) 0251 - This variant is heterozygous. (I) 0301 - Variant is absent from gnomAD (both v2 and v3). (SP) 0600 - Variant is located in the annotated ANK repeat 6 (UniProt, NCBI). (I) 0705 - No comparable inframe deletion variants have previous evidence for pathogenicity. (I) 0807 - This variant has no previous evidence of pathogenicity. (I) 0905 - No published segregation evidence has been identified for this variant. (I) 1007 - No published functional evidence has been identified for this variant. (I) 1208 - Inheritance information for this variant is not currently available in this individual. (I) Legend: (SP) - Supporting pathogenic, (I) - Information, (SB) - Supporting benign

NM_002480.3(PPP1R12A):c.731AAG[2] (p.Glu246del)

Gene: PPP1R12A (protein phosphatase 1 regulatory subunit 12A; minus strand). Cytogenetic location: 12q21.2.
Variant type: Microsatellite.
Coding change: c.731AAG[2] on transcript NM_002480.3 (MANE Select); two copies in a row of the 3-base unit AAG starting at c.731; the reference has three copies in a row; one copy, 3 bases deleted.
Protein change: p.Glu246del; deletes glutamic acid 246.
Molecular consequence: inframe deletion.
Genome position (GRCh38, 1-based): chr12:79,828,373-79,828,375, CTT deleted on the plus strand (AAG on the coding strand, the reverse complement: PPP1R12A is on the minus strand); deleting any 3 consecutive bases within chr12:79,828,373-79,828,381 gives the same sequence; the position shown is the placement nearest the transcript's 3' end. VCF-style (leftmost placement, unchanged base first): chr12-79828372-GCTT-G. GRCh37 (hg19) VCF-style: chr12-80222152-GCTT-G.
Other names: c.731AAG[2], p.Glu246del (NM_001143885.2, NM_001244990.2, NM_001244992.1); c.470AAG[2], p.Glu159del (NM_001143886.2); short protein forms E159del, E246del.
Identifiers: ClinVar variation 1805049 (VCV001805049.1), dbSNP rs2547946295, ClinGen allele CA2573050736.
Genomic context (GRCh38, chr12:79,828,372, plus strand): 5'-ACGCCTACCACTTTGTTGACCATCTCCATATCACACAGATTGTCCACTAAAATTCGACAT[GCTT>G]CTTCTTTACCCCAATGAGCTGCAGCATGAAGAGGTGTCCAGCCATCATAGTCTTTAATAT-3'